The following is an entry in ClinVar:

NM_005751.5(AKAP9):c.7588C>A (p.Gln2530Lys)

Gene: AKAP9 (A-kinase anchoring protein 9; plus strand). Cytogenetic location: 7q21.2.
Variant type: single nucleotide variant.
Coding change: c.7588C>A on transcript NM_005751.5 (MANE Select); coding-DNA position 7588, C replaced by A.
Protein change: p.Gln2530Lys; replaces glutamine 2530 with lysine.
Molecular consequence: missense variant.
Genome position (GRCh38, 1-based): chr7:92,079,721, C>A. VCF-style: chr7-92079721-C-A. GRCh37 (hg19) VCF-style: chr7-91709035-C-A.
Other names: c.2233C>A, p.Gln745Lys (NM_001379277.1); c.7564C>A, p.Gln2522Lys (NM_147185.3); short protein forms Q2522K, Q2530K, Q745K.
Identifiers: ClinVar variation 1025673 (VCV001025673.8), dbSNP rs1813203584, ClinGen allele CA368136070.

ClinVar aggregate classification (germline): Uncertain significance (1 of 4 stars; one submission).

Conditions:
Long QT syndrome (LQTS). Identifiers: MedGen C0023976, MeSH D008133, MONDO:0002442. Disease mechanism: loss of function. Inheritance: Various modes of inheritance.

Submission:

Labcorp Genetics (formerly Invitae), Labcorp
Classification: Uncertain significance for Long QT syndrome. Last evaluated: 2020-03-09. Review status: criteria provided, single submitter. Criteria: Invitae Variant Classification Sherloc (09022015). Collection method: clinical testing. Allele origin: germline.
Comment: In summary, the available evidence is currently insufficient to determine the role of this variant in disease. Therefore, it has been classified as a Variant of Uncertain Significance. Algorithms developed to predict the effect of missense changes on protein structure and function (SIFT, PolyPhen-2, Align-GVGD) all suggest that this variant is likely to be tolerated, but these predictions have not been confirmed by published functional studies and their clinical significance is uncertain. This sequence change replaces glutamine with lysine at codon 2530 of the AKAP9 protein (p.Gln2530Lys). The glutamine residue is moderately conserved and there is a small physicochemical difference between glutamine and lysine. This variant is not present in population databases (ExAC no frequency). This variant has not been reported in the literature in individuals with AKAP9-related conditions.